The following is an entry in ClinVar:

NM_002016.2(FLG):c.1741A>T (p.Thr581Ser)

Genes: CCDST (cervical cancer associated DHX9 suppressive transcript; plus strand), FLG (filaggrin; minus strand). Cytogenetic location: 1q21.3.
Variant type: single nucleotide variant.
Coding change: c.1741A>T on transcript NM_002016.2 (MANE Select); coding-DNA position 1741, A replaced by T.
Protein change: p.Thr581Ser; replaces threonine 581 with serine.
Molecular consequence: missense variant.
Genome position (GRCh38, 1-based): chr1:152,313,145, T>A on the plus strand (A>T on the coding strand, the complement: FLG is on the minus strand). VCF-style: chr1-152313145-T-A. GRCh37 (hg19) VCF-style: chr1-152285621-T-A.
Other names: c.1741A>T (NM_002016.1); short protein forms T581S.
Identifiers: ClinVar variation 1206280 (VCV001206280.28), dbSNP rs145627745, ClinGen allele CA1107496.

ClinVar aggregate classification (germline): Benign/Likely benign. Review status: criteria provided, multiple submitters, no conflicts (2 of 4 stars). 5 submissions from 5 submitters: Benign (1); Likely benign (1). 3 of the submissions do not count toward it. Last evaluated 2026-03-01.

Conditions:
FLG-related disorder. Also called: FLG-related disorders; FLG-related condition.

Allele frequency attached by ClinVar (database versions not stated): 1000 Genomes Project 0.00300; 1000 Genomes Project 30x 0.00312; TOPMed 0.00773; gnomAD exomes 0.00783; gnomAD 0.00795 and 0.00808; ExAC 0.00830; ESP Exome Variant Server 0.00877.
gnomAD v4.1: 18,822 of 1,613,812 alleles (1.2%); highest among the groups gnomAD compares: Non-Finnish European, 1.4%; 156 homozygotes.

Submissions (5):

CeGaT Center for Human Genetics Tuebingen
Classification: Benign. Last evaluated: 2026-03-01. Review status: criteria provided, single submitter. Criteria: CeGaT Center For Human Genetics Tuebingen Variant Classification Criteria Version 2. Collection method: clinical testing. Allele origin: germline. Affected: yes. Observed: 3 variant alleles.
Comment: FLG: BP4, BS1, BS2

Breakthrough Genomics
Classification: Likely benign. Review status: criteria provided, single submitter. Criteria: ACMG Guidelines, 2015. Collection method: not provided. Allele origin: germline. Inheritance: Autosomal dominant inheritance. Affected: yes.

PreventionGenetics, part of Exact Sciences
Classification: Likely benign for FLG-related condition. Last evaluated: 2019-06-06. Review status: no assertion criteria provided. Collection method: clinical testing. Allele origin: germline. Not counted in ClinVar's aggregate classification.
Comment: This variant is classified as likely benign based on ACMG/AMP sequence variant interpretation guidelines (Richards et al. 2015 PMID: 25741868, with internal and published modifications).

Clinical Genetics DNA and cytogenetics Diagnostics Lab, Erasmus MC, Erasmus Medical Center
Classification: Likely benign. Review status: no assertion criteria provided. Collection method: clinical testing. Allele origin: germline. Affected: yes. Study: VKGL Data-share Consensus. Not counted in ClinVar's aggregate classification.

Laboratory of Diagnostic Genome Analysis, Leiden University Medical Center (LUMC)
Classification: Likely benign. Review status: no assertion criteria provided. Collection method: clinical testing. Allele origin: germline. Affected: yes. Study: VKGL Data-share Consensus. Not counted in ClinVar's aggregate classification.